The following is an entry in ClinVar:

ClinVar aggregate classification (germline): Uncertain significance (1 of 4 stars; one submission).

Conditions:
Duchenne muscular dystrophy (DMD). Also called: Duchenne Muscular Dystrophy (DMD); MUSCULAR DYSTROPHY, PSEUDOHYPERTROPHIC PROGRESSIVE, DUCHENNE TYPE. Identifiers: Orphanet 98896, MedGen C0013264, MONDO:0010679, OMIM 310200.

Submission:

Labcorp Genetics (formerly Invitae), Labcorp
Classification: Uncertain significance for Duchenne muscular dystrophy. Last evaluated: 2025-11-03. Review status: criteria provided, single submitter. Criteria: Invitae Variant Classification Sherloc (09022015). Collection method: clinical testing. Allele origin: germline.
Comment: This sequence change replaces leucine, which is neutral and non-polar, with histidine, which is basic and polar, at codon 2127 of the DMD protein (p.Leu2127His). This variant is not present in population databases (gnomAD no frequency). This variant has not been reported in the literature in individuals affected with DMD-related conditions. Invitae Evidence Modeling of protein sequence and biophysical properties (such as structural, functional, and spatial information, amino acid conservation, physicochemical variation, residue mobility, and thermodynamic stability) indicates that this missense variant is not expected to disrupt DMD protein function with a negative predictive value of 95%. In summary, the available evidence is currently insufficient to determine the role of this variant in disease. Therefore, it has been classified as a Variant of Uncertain Significance.

NM_004006.3(DMD):c.6380T>A (p.Leu2127His)

Gene: DMD (dystrophin; minus strand). Cytogenetic location: Xp21.1.
Variant type: single nucleotide variant.
Coding change: c.6380T>A on transcript NM_004006.3 (MANE Select); coding-DNA position 6380, T replaced by A.
Protein change: p.Leu2127His; replaces leucine 2127 with histidine.
Molecular consequence: missense variant.
Genome position (GRCh38, 1-based): chrX:32,216,974, A>T on the plus strand (T>A on the coding strand, the complement: DMD is on the minus strand). VCF-style: chrX-32216974-A-T. GRCh37 (hg19) VCF-style: chrX-32235091-A-T.
Other names: c.6356T>A, p.Leu2119His (NM_000109.4); c.6368T>A, p.Leu2123His (NM_004009.3); c.6011T>A, p.Leu2004His (NM_004010.3); c.2357T>A, p.Leu786His (NM_004011.4); c.2348T>A, p.Leu783His (NM_004012.4); short protein forms L2004H, L2119H, L2123H, L2127H, L783H, L786H.
Identifiers: ClinVar variation 4800953 (VCV004800953.1).